The following is an entry in ClinVar:

ClinVar aggregate classification (germline): Uncertain significance. Review status: criteria provided, multiple submitters, no conflicts (2 of 4 stars). 2 submissions from 2 submitters: Uncertain significance (2). Last evaluated 2024-05-24.

Conditions:
Cardiovascular phenotype. Identifiers: MedGen CN230736.

Allele frequency attached by ClinVar (database versions not stated): gnomAD exomes 0.00001.
gnomAD v4.1: 12 of 1,613,754 alleles (0.00074%); highest among the groups gnomAD compares: East Asian, 0.0022%; no homozygotes.

Submissions (2):

GeneDx
Classification: Uncertain significance. Last evaluated: 2024-05-24. Review status: criteria provided, single submitter. Criteria: GeneDx Variant Classification Process June 2021. Collection method: clinical testing. Allele origin: germline. Affected: yes.
Comment: Not observed at significant frequency in large population cohorts (gnomAD); Missense variant in a gene in which most reported pathogenic variants are truncating/loss of function; Has not been previously published as pathogenic or benign to our knowledge

Ambry Genetics
Classification: Uncertain significance for Cardiovascular phenotype. Last evaluated: 2013-10-11. Review status: criteria provided, single submitter. Criteria: Ambry Autosomal Dominant and X-Linked criteria (10/2015). Collection method: clinical testing. Allele origin: germline. Observed: 1 variant allele.
Comment: The p.T6953I variant (also known as c.20858C>T) is located in coding exon 81 of the TTN gene. This alteration results from a C to T substitution at nucleotide position 20858. The threonine at codon 6953 is replaced by isoleucine, an amino acid with some similar properties.This variant was not reported in population-based cohorts in the following databases: Database of Single Nucleotide Polymorphisms (dbSNP), the 1000 Genomes Project and the NHLBI Exome Sequencing Project (ESP). In the ESP, this variant was not observed in 6102 samples (11204 alleles) with coverage at this position. Based on protein sequence alignment, this amino acid position is well conserved in mammals but not all available vertebrate species.In addition, this alteration is predicted to be probably damaging by PolyPhen in silico analysis. Since supporting evidence is limited at this time, the clinical significance of this variant remains unclear.

NM_001267550.2(TTN):c.24590C>T (p.Thr8197Ile)

Gene: TTN (titin; minus strand). Cytogenetic location: 2q31.2.
Variant type: single nucleotide variant.
Coding change: c.24590C>T on transcript NM_001267550.2 (MANE Select); coding-DNA position 24590, C replaced by T.
Protein change: p.Thr8197Ile; replaces threonine 8197 with isoleucine.
Molecular consequence: missense variant. On other transcripts: intron variant (3).
Genome position (GRCh38, 1-based): chr2:178,718,516, G>A on the plus strand (C>T on the coding strand, the complement: TTN is on the minus strand). VCF-style: chr2-178718516-G-A. GRCh37 (hg19) VCF-style: chr2-179583243-G-A.
Other names: c.23639C>T, p.Thr7880Ile (NM_001256850.1); c.20858C>T, p.Thr6953Ile (NM_133378.4); c.13282+19566C>T (NM_003319.4); c.13858+19566C>T (NM_133437.4); c.13657+19566C>T (NM_133432.3); c.24590C>T (NM_001267550.1); short protein forms T6953I, T8197I, T7880I.
Identifiers: ClinVar variation 263716 (VCV000263716.4), dbSNP rs748587371, ClinGen allele CA10587507.